The following is an entry in ClinVar:

NM_001199397.3(NEK1):c.2438A>G (p.His813Arg)

Gene: NEK1 (NIMA related kinase 1; minus strand). Cytogenetic location: 4q33.
Variant type: single nucleotide variant.
Coding change: c.2438A>G on transcript NM_001199397.3 (MANE Select); coding-DNA position 2438, A replaced by G.
Protein change: p.His813Arg; replaces histidine 813 with arginine.
Molecular consequence: missense variant. On other transcripts: non-coding transcript variant (1).
Genome position (GRCh38, 1-based): chr4:169,463,392, T>C on the plus strand (A>G on the coding strand, the complement: NEK1 is on the minus strand). VCF-style: chr4-169463392-T-C. GRCh37 (hg19) VCF-style: chr4-170384543-T-C.
Other names: c.2306A>G, p.His769Arg (NM_001199398.3); c.2147A>G, p.His716Arg (NM_001199399.3); c.2222A>G, p.His741Arg (NM_001199400.3); c.2438A>G, p.His813Arg (NM_001374418.1); c.2354A>G, p.His785Arg (NM_001374419.1, NM_012224.4); c.2303A>G, p.His768Arg (NM_001374420.1); c.2132A>G, p.His711Arg (NM_001374421.1); short protein forms H769R, H813R, H785R, H711R, H716R, H741R, H768R.
Identifiers: ClinVar variation 2771856 (VCV002771856.3), dbSNP rs560738883, ClinGen allele CA3137400.
Genomic context (GRCh38, chr4:169,463,392, plus strand): 5'-TTCCCCCAGGCTCTTCTTGGAGATCCATTAGGACCTAATTTAATAACTTCTCCCACTGTA[T>C]GTCCTATAAGAAAAATATACAAAGAAACAATTTTCAATAACAGTATAATAATACTGCATG-3'
Protein context (NP_001186326.1, residues 803-823): LDTSFSTTER[His813Arg]TVGEVIKLGP

ClinVar aggregate classification (germline): Uncertain significance (1 of 4 stars; one submission).

Conditions:
Short-rib thoracic dysplasia 6 with or without polydactyly (SRTD6). Also called: SHORT RIB-POLYDACTYLY SYNDROME, TYPE IIA; Majewski Syndrome; POLYDACTYLY WITH NEONATAL CHONDRODYSTROPHY, TYPE II; SHORT-RIB THORACIC DYSPLASIA 6 WITH POLYDACTYLY; SHORT-RIB THORACIC DYSPLASIA 6 WITHOUT POLYDACTYLY. Identifiers: MedGen C0024507, MONDO:0009894, OMIM 263520.

Allele frequency attached by ClinVar (database versions not stated): ExAC 0.00001; gnomAD exomes 0.00001; TOPMed 0.00001; gnomAD 0.00002; 1000 Genomes Project 30x 0.00016; 1000 Genomes Project 0.00020.
gnomAD v4.1: 13 of 1,596,088 alleles (0.00081%); highest among the groups gnomAD compares: Middle Eastern, 0.017%; no homozygotes.

Submission:

Labcorp Genetics (formerly Invitae), Labcorp
Classification: Uncertain significance for Short-rib thoracic dysplasia 6 with or without polydactyly. Last evaluated: 2023-07-12. Review status: criteria provided, single submitter. Criteria: Invitae Variant Classification Sherloc (09022015). Collection method: clinical testing. Allele origin: germline.
Comment: Advanced modeling of protein sequence and biophysical properties (such as structural, functional, and spatial information, amino acid conservation, physicochemical variation, residue mobility, and thermodynamic stability) performed at Invitae indicates that this missense variant is not expected to disrupt NEK1 protein function. In summary, the available evidence is currently insufficient to determine the role of this variant in disease. Therefore, it has been classified as a Variant of Uncertain Significance. This variant has not been reported in the literature in individuals affected with NEK1-related conditions. This sequence change replaces histidine, which is basic and polar, with arginine, which is basic and polar, at codon 785 of the NEK1 protein (p.His785Arg). This variant is present in population databases (rs560738883, gnomAD 0.008%).